The following is an entry in ClinVar:

NM_139027.6(ADAMTS13):c.330+2T>C

Gene: ADAMTS13 (ADAM metallopeptidase with thrombospondin type 1 motif 13; plus strand). Cytogenetic location: 9q34.2.
Variant type: single nucleotide variant.
Coding change: c.330+2T>C on transcript NM_139027.6 (MANE Select); the canonical splice donor site of the intron after coding-DNA position 330, T replaced by C.
Molecular consequence: splice donor variant.
Genome position (GRCh38, 1-based): chr9:133,424,480, T>C. VCF-style: chr9-133424480-T-C. GRCh37 (hg19) VCF-style: chr9-136289600-T-C.
Other names: c.330+2T>C (NM_139025.5, NM_139026.6).
Identifiers: ClinVar variation 1179187 (VCV001179187.2), dbSNP rs1474290508, ClinGen allele CA375707325.

ClinVar aggregate classification (germline): Likely pathogenic (1 of 4 stars; one submission).

Conditions:
Upshaw-Schulman syndrome (TTP). Also called: THROMBOTIC THROMBOCYTOPENIC PURPURA, HEREDITARY; Congenital thrombotic thrombocytopenic purpura. Identifiers: Orphanet 93583, MedGen C1268935, MONDO:0010122, OMIM 274150.

Allele frequency attached by ClinVar (database versions not stated): TOPMed below 0.00001; gnomAD 0.00001.
gnomAD v4.1: 1 of 1,612,616 alleles (0.000062%); highest among the groups gnomAD compares: African/African-American, 0.0013%; no homozygotes.

Submission:

Fulgent Genetics
Classification: Likely pathogenic for Upshaw-Schulman syndrome. Last evaluated: 2021-06-30. Review status: criteria provided, single submitter. Criteria: ACMG Guidelines, 2015. Collection method: clinical testing. Allele origin: unknown.
Comment: This variant has been detected in individual(s) who were sent for testing of Renasight - kidney gene panel.